The following is an entry in ClinVar:

ClinVar aggregate classification (germline): Likely benign (0 of 4 stars; one submission).

Conditions:
SDK2-related disorder. Also called: SDK2-related condition.

Allele frequency attached by ClinVar (database versions not stated): TOPMed below 0.00001; gnomAD 0.00001; gnomAD exomes 0.00002; ExAC 0.00004.
gnomAD v4.1: 32 of 1,608,674 alleles (0.002%); highest among the groups gnomAD compares: Non-Finnish European, 0.0027%; no homozygotes.

Submission:

PreventionGenetics, part of Exact Sciences
Classification: Likely benign for SDK2-related condition. Last evaluated: 2022-12-13. Review status: no assertion criteria provided. Collection method: clinical testing. Allele origin: germline.
Comment: This variant is classified as likely benign based on ACMG/AMP sequence variant interpretation guidelines (Richards et al. 2015 PMID: 25741868, with internal and published modifications).

NM_001144952.2(SDK2):c.1554A>T (p.Gly518=)

Gene: SDK2 (sidekick cell adhesion molecule 2; minus strand). Cytogenetic location: 17q25.1.
Variant type: single nucleotide variant.
Coding change: c.1554A>T on transcript NM_001144952.2 (MANE Select); coding-DNA position 1554, A replaced by T.
Protein change: p.Gly518=; no amino-acid change (glycine 518 retained).
Molecular consequence: synonymous variant.
Genome position (GRCh38, 1-based): chr17:73,430,540, T>A on the plus strand (A>T on the coding strand, the complement: SDK2 is on the minus strand). VCF-style: chr17-73430540-T-A. GRCh37 (hg19) VCF-style: chr17-71426679-T-A.
Identifiers: ClinVar variation 3046927 (VCV003046927.2), dbSNP rs746680495, ClinGen allele CA8743812.